The following is an entry in ClinVar:

NM_145331.3(MAP3K7):c.1740C>A (p.Ser580Arg)

Gene: MAP3K7 (mitogen-activated protein kinase kinase kinase 7; minus strand). Cytogenetic location: 6q15.
Variant type: single nucleotide variant.
Coding change: c.1740C>A on transcript NM_145331.3 (MANE Select); coding-DNA position 1740, C replaced by A.
Protein change: p.Ser580Arg; replaces serine 580 with arginine.
Molecular consequence: missense variant. On other transcripts: 3 prime UTR variant (2).
Genome position (GRCh38, 1-based): chr6:90,516,582, G>T on the plus strand (C>A on the coding strand, the complement: MAP3K7 is on the minus strand). VCF-style: chr6-90516582-G-T. GRCh37 (hg19) VCF-style: chr6-91226301-G-T.
Other names: c.1659C>A, p.Ser553Arg (NM_003188.4); c.*67C>A (NM_145332.3, NM_145333.3); c.1740C>A (NM_145331.1); short protein forms S553R, S580R.
Identifiers: ClinVar variation 2047396 (VCV002047396.4), dbSNP rs955602310, ClinGen allele CA365014156.

ClinVar aggregate classification (germline): Uncertain significance. Review status: criteria provided, multiple submitters, no conflicts (2 of 4 stars). 2 submissions from 2 submitters: Uncertain significance (2). Last evaluated 2025-09-22.

Conditions:
Inborn genetic diseases. Identifiers: MedGen C0950123, MeSH D030342.

Allele frequency attached by ClinVar (database versions not stated): gnomAD exomes below 0.00001.

Submissions (2):

Ambry Genetics
Classification: Uncertain significance for Inborn genetic diseases. Last evaluated: 2025-09-22. Review status: criteria provided, single submitter. Criteria: Ambry Variant Classification Scheme 2023. Collection method: clinical testing. Allele origin: germline.

Labcorp Genetics (formerly Invitae), Labcorp
Classification: Uncertain significance. Last evaluated: 2022-11-01. Review status: criteria provided, single submitter. Criteria: Invitae Variant Classification Sherloc (09022015). Collection method: clinical testing. Allele origin: germline.
Comment: In summary, the available evidence is currently insufficient to determine the role of this variant in disease. Therefore, it has been classified as a Variant of Uncertain Significance. Algorithms developed to predict the effect of missense changes on protein structure and function are either unavailable or do not agree on the potential impact of this missense change (SIFT: "Deleterious"; PolyPhen-2: "Probably Damaging"; Align-GVGD: "Class C0"). This variant has not been reported in the literature in individuals affected with MAP3K7-related conditions. This variant is not present in population databases (gnomAD no frequency). This sequence change replaces serine, which is neutral and polar, with arginine, which is basic and polar, at codon 580 of the MAP3K7 protein (p.Ser580Arg).